The following is an entry in ClinVar:

ClinVar aggregate classification (germline): Conflicting classifications of pathogenicity. Review status: criteria provided, conflicting classifications (1 of 4 stars). 4 submissions from 4 submitters: Likely pathogenic (2); Uncertain significance (1). 1 of the submissions does not count toward it. Last evaluated 2024-03-14.

Conditions:
Cardiovascular phenotype. Identifiers: MedGen CN230736.
Dilated cardiomyopathy 1II (CMD1II). Identifiers: Orphanet 154, MedGen C3554649, MONDO:0014073, OMIM 615184.
Myofibrillar myopathy 2. Also called: MYOPATHY, MYOFIBRILLAR, WITH OR WITHOUT CATARACT AND/OR CARDIOMYOPATHY; MYOPATHY, MYOFIBRILLAR, 2A, ADULT-ONSET; MYOPATHY, DESMIN-RELATED, ASSOCIATED WITH MUTATION IN THE CRYAB GENE; MYOPATHY, MYOFIBRILLAR, ALPHA-B CRYSTALLIN-RELATED. Identifiers: Orphanet 280553, Orphanet 399058, MedGen C1837317, MONDO:0012130.
Cataract 16 multiple types. Also called: CATARACT 16, POSTERIOR POLAR; CATARACT 16, CONGENITAL LAMELLAR; CATARACT, CONGENITAL LAMELLAR. Identifiers: Orphanet 91492, Orphanet 98992, Orphanet 98993, Orphanet 98995, MedGen C3808377, MONDO:0013411, OMIM 613763.

Allele frequency attached by ClinVar (database versions not stated): gnomAD 0.00001.
gnomAD v4.1: 8 of 1,612,596 alleles (0.0005%); highest among the groups gnomAD compares: East Asian, 0.0022%; no homozygotes.

Submissions (4):

Genomic Medicine Center of Excellence, King Faisal Specialist Hospital and Research Centre
Classification: Likely pathogenic. Last evaluated: 2024-03-14. Review status: criteria provided, single submitter. Criteria: ACMG Guidelines, 2015. Collection method: research. Allele origin: germline.

Ambry Genetics
Classification: Uncertain significance for Cardiovascular phenotype. Last evaluated: 2024-02-16. Review status: criteria provided, single submitter. Criteria: Ambry Variant Classification Scheme 2023. Collection method: clinical testing. Allele origin: germline.
Comment: The p.R56W variant (also known as c.166C>T), located in coding exon 1 of the CRYAB gene, results from a C to T substitution at nucleotide position 166. The arginine at codon 56 is replaced by tryptophan, an amino acid with dissimilar properties. This variant has been detected in the homozygous state in individuals from families affected with juvenile cataracts; however, it has also been detected in the homozygous and heterozygous states in individuals without juvenile cataracts, and has been reported as a relatively common allele in both case and control cohorts (Safieh LA et al. Mol Vis, 2009 May;15:980-4; Khan AO et al. Ophthalmic Genet, 2010 Mar;31:30-6; Cui XJ et al. Medicine (Baltimore), 2017 Jun;96:e7158). This variant has been detected in a cohort of patients with features of skeletal myopathies; however, clinical detail was not provided (T&ouml;pf A et al. Genet Med, 2020 Sep;22:1478-1488). Functional studies suggest this variant may impact some aspects of protein function; however, the physiological relevance of these findings are unclear (Raju I et al. Biochem Biophys Res Commun. 2013 Jan;430(1):107-12; Muranova LK et al. Exp Eye Res. 2020 Aug;197:108091). This amino acid position is well conserved in available vertebrate species. In addition, this alteration is predicted to be deleterious by in silico analysis. Based on the available evidence, the clinical significance of this alteration remains unclear.

Labcorp Genetics (formerly Invitae), Labcorp
Classification: Likely pathogenic for Dilated cardiomyopathy 1II. Last evaluated: 2023-12-20. Review status: criteria provided, single submitter. Criteria: Invitae Variant Classification Sherloc (09022015). Collection method: clinical testing. Allele origin: germline.
Comment: This sequence change replaces arginine, which is basic and polar, with tryptophan, which is neutral and slightly polar, at codon 56 of the CRYAB protein (p.Arg56Trp). The frequency data for this variant in the population databases is considered unreliable, as metrics indicate poor data quality at this position in the gnomAD database. This missense change has been observed in individual(s) with autosomal recessive juvenile cataracts and/or unexplained limb-girdle weakness (PMID: 19461931, 20141356, 32528171). It has also been observed to segregate with disease in related individuals. ClinVar contains an entry for this variant (Variation ID: 41929). An algorithm developed to predict the effect of missense changes on protein structure and function (PolyPhen-2) suggests that this variant is likely to be disruptive. In summary, the currently available evidence indicates that the variant is pathogenic, but additional data are needed to prove that conclusively. Therefore, this variant has been classified as Likely Pathogenic.

OMIM
Classification: Pathogenic for CATARACT, JUVENILE. Last evaluated: 2009-05-15. Review status: no assertion criteria provided. Collection method: literature only. Allele origin: germline. Not counted in ClinVar's aggregate classification.

Literature cited by the submitters: PubMed 19461931 (cited by 3 submitters); PubMed 20141356 (cited by Ambry Genetics and Labcorp Genetics (formerly Invitae), Labcorp); PubMed 23194663 (cited by Ambry Genetics); PubMed 26622071 (cited by Ambry Genetics); PubMed 28640093 (cited by Ambry Genetics); PubMed 32528171 (cited by Ambry Genetics and Labcorp Genetics (formerly Invitae), Labcorp); PubMed 32533979 (cited by Ambry Genetics); PubMed 35531184 (cited by Ambry Genetics).

NM_001289808.2(CRYAB):c.166C>T (p.Arg56Trp)

Gene: CRYAB (crystallin alpha B; minus strand). Cytogenetic location: 11q23.1.
Variant type: single nucleotide variant.
Coding change: c.166C>T on transcript NM_001289808.2 (MANE Select); coding-DNA position 166, C replaced by T.
Protein change: p.Arg56Trp; replaces arginine 56 with tryptophan.
Molecular consequence: missense variant.
Genome position (GRCh38, 1-based): chr11:111,911,559, G>A on the plus strand (C>T on the coding strand, the complement: CRYAB is on the minus strand). VCF-style: chr11-111911559-G-A. GRCh37 (hg19) VCF-style: chr11-111782283-G-A.
Other names: c.166C>T, p.Arg56Trp (NM_001289807.1, NM_001368245.1, NM_001885.3); short protein forms R56W.
Identifiers: ClinVar variation 41929 (VCV000041929.12), dbSNP rs387907338, ClinGen allele CA130927.